The following is an entry in ClinVar:

ClinVar aggregate classification (germline): Benign. Review status: criteria provided, single submitter (1 of 4 stars). 2 submissions from 2 submitters: Benign (1). 1 of the submissions does not count toward it. Last evaluated 2019-12-31.

Conditions:
SPATA16-related disorder. Also called: SPATA16-related condition.

Allele frequency attached by ClinVar (database versions not stated): gnomAD exomes 0.00031 and 0.00096; ExAC 0.00119; 1000 Genomes Project 30x 0.00328; gnomAD 0.00331 and 0.00352; 1000 Genomes Project 0.00339; TOPMed 0.00390; ESP Exome Variant Server 0.00438.
gnomAD v4.1: 980 of 1,613,664 alleles (0.061%); highest among the groups gnomAD compares: African/African-American, 1.1%; 5 homozygotes.

Submissions (2):

Labcorp Genetics (formerly Invitae), Labcorp
Classification: Benign. Last evaluated: 2019-12-31. Review status: criteria provided, single submitter. Criteria: Invitae Variant Classification Sherloc (09022015). Collection method: clinical testing. Allele origin: germline.

PreventionGenetics, part of Exact Sciences
Classification: Benign for SPATA16-related condition. Last evaluated: 2019-07-12. Review status: no assertion criteria provided. Collection method: clinical testing. Allele origin: germline. Not counted in ClinVar's aggregate classification.
Comment: This variant is classified as benign based on ACMG/AMP sequence variant interpretation guidelines (Richards et al. 2015 PMID: 25741868, with internal and published modifications).

NM_031955.6(SPATA16):c.1707G>C (p.Arg569Ser)

Gene: SPATA16 (spermatogenesis associated 16; minus strand). Cytogenetic location: 3q26.31.
Variant type: single nucleotide variant.
Coding change: c.1707G>C on transcript NM_031955.6 (MANE Select); coding-DNA position 1707, G replaced by C.
Protein change: p.Arg569Ser; replaces arginine 569 with serine.
Molecular consequence: missense variant.
Genome position (GRCh38, 1-based): chr3:172,889,573, C>G on the plus strand (G>C on the coding strand, the complement: SPATA16 is on the minus strand). VCF-style: chr3-172889573-C-G. GRCh37 (hg19) VCF-style: chr3-172607363-C-G.
Other names: short protein forms R569S.
Identifiers: ClinVar variation 710246 (VCV000710246.6), dbSNP rs146078455, ClinGen allele CA2707995.